The following is an entry in ClinVar:

ClinVar aggregate classification (germline): Uncertain significance (1 of 4 stars; one submission).

Conditions:
Long QT syndrome (LQTS). Identifiers: MedGen C0023976, MeSH D008133, MONDO:0002442. Disease mechanism: loss of function. Inheritance: Various modes of inheritance.

Submission:

Labcorp Genetics (formerly Invitae), Labcorp
Classification: Uncertain significance for Long QT syndrome. Last evaluated: 2023-07-24. Review status: criteria provided, single submitter. Criteria: Invitae Variant Classification Sherloc (09022015). Collection method: clinical testing. Allele origin: germline.
Comment: ClinVar contains an entry for this variant (Variation ID: 2021762). This variant has not been reported in the literature in individuals affected with KCNQ1-related conditions. This variant is not present in population databases (gnomAD no frequency). This variant, c.136_147dup, results in the insertion of 4 amino acid(s) of the KCNQ1 protein (p.Ala46_Ala49dup), but otherwise preserves the integrity of the reading frame. In summary, the available evidence is currently insufficient to determine the role of this variant in disease. Therefore, it has been classified as a Variant of Uncertain Significance.

NM_000218.3(KCNQ1):c.136_147dup (p.Ala49_Leu50insAlaGlyGlyAla)

Gene: KCNQ1 (potassium voltage-gated channel subfamily Q member 1; plus strand). Cytogenetic location: 11p15.5.
Variant type: Duplication.
Coding change: c.136_147dup on transcript NM_000218.3 (MANE Select); coding-DNA positions 136 to 147, 12 bases duplicated (GCGGGCGGCGCG).
Protein change: p.Ala49_Leu50insAlaGlyGlyAla.
Molecular consequence: inframe insertion. On other transcripts: inframe indel (2).
Genome position (GRCh38, 1-based): chr11:2,445,234-2,445,245, GCGGGCGGCGCG duplicated; duplicating any 12 consecutive bases within chr11:2,445,232-2,445,245 gives the same sequence; the c. name uses the placement nearest the transcript's 3' end. VCF-style (leftmost placement, unchanged base first): chr11-2445231-C-CCGGCGGGCGGCG. GRCh37 (hg19) VCF-style: chr11-2466461-C-CCGGCGGGCGGCG.
Other names: c.136_147dup, p.Ala49_Leu50insAlaGlyGlyAla (NM_001406836.1, NM_001406838.1); c.-227_-216dup (NM_001406837.1).
Identifiers: ClinVar variation 2021762 (VCV002021762.4), dbSNP rs2496741407, ClinGen allele CA2580082596.